The following is an entry in ClinVar:

NM_000186.4(CFH):c.933T>C (p.Ser311=)

Gene: CFH (complement factor H; plus strand). Cytogenetic location: 1q31.3.
Variant type: single nucleotide variant.
Coding change: c.933T>C on transcript NM_000186.4 (MANE Select); coding-DNA position 933, T replaced by C.
Protein change: p.Ser311=; no amino-acid change (serine 311 retained).
Molecular consequence: synonymous variant.
Genome position (GRCh38, 1-based): chr1:196,685,206, T>C. VCF-style: chr1-196685206-T-C. GRCh37 (hg19) VCF-style: chr1-196654336-T-C.
Other names: c.933T>C, p.Ser311= (NM_001014975.3).
Identifiers: ClinVar variation 4281210 (VCV004281210.8).
Genomic context (GRCh38, chr1:196,685,206, plus strand): 5'-GTACCAGTGTAGAAATGGTTTTTATCCTGCAACCCGGGGAAATACAGCAAAATGCACAAG[T>C]ACTGGCTGGATACCTGCTCCGAGATGTACCTGTAAGTTCCATTCATATCTTGACCCATTT-3'
Protein context (NP_000177.2, residues 301-321): ATRGNTAKCT[Ser311=]TGWIPAPRCT

ClinVar aggregate classification (germline): Likely benign. Review status: criteria provided, multiple submitters, no conflicts (2 of 4 stars). 2 submissions from 2 submitters: Likely benign (2). Last evaluated 2025-09-01.

gnomAD v4.1: 7 of 1,612,980 alleles (0.00043%); highest among the groups gnomAD compares: Non-Finnish European, 0.00059%; no homozygotes.

Submissions (2):

CeGaT Center for Human Genetics Tuebingen
Classification: Likely benign. Last evaluated: 2025-09-01. Review status: criteria provided, single submitter. Criteria: CeGaT Center For Human Genetics Tuebingen Variant Classification Criteria Version 2. Collection method: clinical testing. Allele origin: germline. Affected: yes. Observed: 1 variant allele.
Comment: CFH: BP4, BP7

Labcorp Genetics (formerly Invitae), Labcorp
Classification: Likely benign. Last evaluated: 2025-05-26. Review status: criteria provided, single submitter. Criteria: Invitae Variant Classification Sherloc (09022015). Collection method: clinical testing. Allele origin: germline.